The following is an entry in ClinVar:

ClinVar aggregate classification (germline): Uncertain significance. Review status: criteria provided, multiple submitters, no conflicts (2 of 4 stars). 2 submissions from 2 submitters: Uncertain significance (2). Last evaluated 2025-01-31.

Conditions:
NEBL-related disorder. Also called: NEBL-related condition.
Primary dilated cardiomyopathy (DCM). Also called: Dilated Cardiomyopathy. Identifiers: Orphanet 217604, MedGen C0007193, MeSH D002311, MONDO:0005021, HP:0001644. Inheritance: Various modes of inheritance.

gnomAD v4.1: 1 of 1,609,626 alleles (0.000062%); no homozygotes.

Submissions (2):

Labcorp Genetics (formerly Invitae), Labcorp
Classification: Uncertain significance for Primary dilated cardiomyopathy. Last evaluated: 2025-01-31. Review status: criteria provided, single submitter. Criteria: Invitae Variant Classification Sherloc (09022015). Collection method: clinical testing. Allele origin: germline.
Comment: This sequence change replaces aspartic acid, which is acidic and polar, with histidine, which is basic and polar, at codon 638 of the NEBL protein (p.Asp638His). This variant is not present in population databases (gnomAD no frequency). This variant has not been reported in the literature in individuals affected with NEBL-related conditions. An algorithm developed to predict the effect of missense changes on protein structure and function (PolyPhen-2) suggests that this variant is likely to be disruptive. In summary, the available evidence is currently insufficient to determine the role of this variant in disease. Therefore, it has been classified as a Variant of Uncertain Significance.

PreventionGenetics, part of Exact Sciences
Classification: Uncertain significance for NEBL-related condition. Last evaluated: 2024-10-20. Review status: criteria provided, single submitter. Criteria: ACMG Guidelines, 2015. Collection method: clinical testing. Allele origin: germline.
Comment: The NEBL c.1912G>C variant is predicted to result in the amino acid substitution p.Asp638His. To our knowledge, this variant has not been reported in the literature or in a large population database (gnomAD), indicating this variant is rare. At this time, the clinical significance of this variant is uncertain due to the absence of conclusive functional and genetic evidence.

NM_006393.3(NEBL):c.1912G>C (p.Asp638His)

Gene: NEBL (nebulette; minus strand). Cytogenetic location: 10p12.31.
Variant type: single nucleotide variant.
Coding change: c.1912G>C on transcript NM_006393.3 (MANE Select); coding-DNA position 1912, G replaced by C.
Protein change: p.Asp638His; replaces aspartic acid 638 with histidine.
Molecular consequence: missense variant. On other transcripts: intron variant (9).
Genome position (GRCh38, 1-based): chr10:20,823,258, C>G on the plus strand (G>C on the coding strand, the complement: NEBL is on the minus strand). VCF-style: chr10-20823258-C-G. GRCh37 (hg19) VCF-style: chr10-21112187-C-G.
Other names: c.301-10318G>C (NM_001377324.1); c.292-10318G>C (NM_001377325.1); c.310-10318G>C (NM_001377323.1); c.250-10318G>C (NM_001377326.1, NM_001377327.1, NM_001377328.1); c.358-10318G>C (NM_213569.2, NM_001173484.2, NM_001377322.1); short protein forms D638H.
Identifiers: ClinVar variation 3726795 (VCV003726795.3).